The following is an entry in ClinVar:

NM_000439.5(PCSK1):c.781G>A (p.Val261Met)

Genes: CAST (calpastatin; plus strand), PCSK1 (proprotein convertase subtilisin/kexin type 1; minus strand), LOC101929710 (uncharacterized LOC101929710; plus strand). Cytogenetic location: 5q15.
Variant type: single nucleotide variant.
Coding change: c.781G>A on transcript NM_000439.5 (MANE Select); coding-DNA position 781, G replaced by A.
Protein change: p.Val261Met; replaces valine 261 with methionine.
Molecular consequence: missense variant. On other transcripts: intron variant (11).
Genome position (GRCh38, 1-based): chr5:96,412,419, C>T on the plus strand (G>A on the coding strand, the complement: PCSK1 is on the minus strand). VCF-style: chr5-96412419-C-T. GRCh37 (hg19) VCF-style: chr5-95748123-C-T.
Other names: c.640G>A, p.Val214Met (NM_001177875.2); c.-175+32767C>T (NM_001423254.1, NM_001423259.1, NM_001423255.1 and 6 more transcripts); c.-103+32767C>T (NM_001423253.1); c.-40+32767C>T (NM_001423258.1); short protein forms V214M, V261M.
Identifiers: ClinVar variation 3350775 (VCV003350775.1).

ClinVar aggregate classification (germline): Uncertain significance (0 of 4 stars; one submission).

Conditions:
PCSK1-related disorder. Also called: PCSK1-related condition.

gnomAD v4.1: 19 of 1,613,770 alleles (0.0012%); highest among the groups gnomAD compares: Admixed American, 0.0017%; no homozygotes.

Submission:

PreventionGenetics, part of Exact Sciences
Classification: Uncertain significance for PCSK1-related condition. Last evaluated: 2024-03-12. Review status: no assertion criteria provided. Collection method: clinical testing. Allele origin: germline.
Comment: The PCSK1 c.781G>A variant is predicted to result in the amino acid substitution p.Val261Met. This variant was observed in a cohort of obese individuals, and in vitro functional studies show strong evidence of loss of function (Supplemental Data Set, Shah et al. 2023, PubMed ID: 36864747). This variant is reported in 0.0062% of alleles in individuals of European (non-Finnish) descent in gnomAD. Although we suspect that this variant may be pathogenic, at this time, the clinical significance of this variant is uncertain due to the absence of conclusive functional and genetic evidence.